The following is an entry in ClinVar:

ClinVar aggregate classification (germline): Uncertain significance (1 of 4 stars; one submission).

Conditions:
Baller-Gerold syndrome (BGS). Also called: CRANIOSYNOSTOSIS WITH RADIAL DEFECTS. Identifiers: Orphanet 1225, MedGen C0265308, MONDO:0009039, OMIM 218600.

Allele frequency attached by ClinVar (database versions not stated): gnomAD 0.00001; ExAC 0.00002; gnomAD exomes 0.00002 and 0.00003; TOPMed 0.00002; ESP Exome Variant Server 0.00008; 1000 Genomes Project 30x 0.00016; 1000 Genomes Project 0.00020.
gnomAD v4.1: 10 of 1,610,816 alleles (0.00062%); highest among the groups gnomAD compares: Admixed American, 0.013%; no homozygotes.

Submission:

Labcorp Genetics (formerly Invitae), Labcorp
Classification: Uncertain significance for Baller-Gerold syndrome. Last evaluated: 2023-07-19. Review status: criteria provided, single submitter. Criteria: Invitae Variant Classification Sherloc (09022015). Collection method: clinical testing. Allele origin: germline.
Comment: In summary, the available evidence is currently insufficient to determine the role of this variant in disease. Therefore, it has been classified as a Variant of Uncertain Significance. Algorithms developed to predict the effect of sequence changes on RNA splicing suggest that this variant may create or strengthen a splice site. ClinVar contains an entry for this variant (Variation ID: 582665). This variant has not been reported in the literature in individuals affected with RECQL4-related conditions. This variant is present in population databases (rs377027093, gnomAD 0.02%). This sequence change affects codon 115 of the RECQL4 mRNA. It is a 'silent' change, meaning that it does not change the encoded amino acid sequence of the RECQL4 protein.

NM_004260.4(RECQL4):c.345C>T (p.Gly115=)

Gene: RECQL4 (RecQ like helicase 4; minus strand). Cytogenetic location: 8q24.3.
Variant type: single nucleotide variant.
Coding change: c.345C>T on transcript NM_004260.4 (MANE Select); coding-DNA position 345, C replaced by T.
Protein change: p.Gly115=; no amino-acid change (glycine 115 retained).
Molecular consequence: synonymous variant.
Genome position (GRCh38, 1-based): chr8:144,517,059, G>A on the plus strand (C>T on the coding strand, the complement: RECQL4 is on the minus strand). VCF-style: chr8-144517059-G-A. GRCh37 (hg19) VCF-style: chr8-145742443-G-A.
Identifiers: ClinVar variation 582665 (VCV000582665.6), dbSNP rs377027093, ClinGen allele CA4949371.